The following is an entry in ClinVar:

ClinVar aggregate classification (germline): Pathogenic (1 of 4 stars; one submission).

Conditions:
Multiple congenital exostosis (EXT). Also called: Multiple osteochondromas; MULTIPLE CARTILAGINOUS EXOSTOSES; Hereditary multiple exostoses; Hereditary multiple exostosis; Multiple exostoses; Hereditary multiple osteochondromas. Identifiers: Orphanet 321, MedGen C0015306, MONDO:0005508, HP:0002762.

Submission:

Labcorp Genetics (formerly Invitae), Labcorp
Classification: Pathogenic for Multiple congenital exostosis. Last evaluated: 2021-11-12. Review status: criteria provided, single submitter. Criteria: Invitae Variant Classification Sherloc (09022015). Collection method: clinical testing. Allele origin: germline.
Comment: For these reasons, this variant has been classified as Pathogenic. This variant disrupts a region of the EXT1 protein in which other variant(s) (p.Arg701*) have been determined to be pathogenic (PMID: 11170095, 26690531). This suggests that this is a clinically significant region of the protein, and that variants that disrupt it are likely to be disease-causing. This variant has not been reported in the literature in individuals affected with EXT1-related conditions. This variant is a gross deletion of the genomic region encompassing exon(s) 5-11 of the EXT1 gene, which includes the termination codon. This deletion extends beyond the assayed region for this gene and therefore may encompass additional genes. While this deletion is not anticipated to lead to nonsense mediated decay, it is expected to alter mRNA translation or result in a truncated protein product.

Literature cited by the submitters: PubMed 11170095; PubMed 26690531.

NC_000008.10:g.(?_118811951)_(118834836_?)del

Gene: EXT1 (exostosin glycosyltransferase 1; minus strand). Cytogenetic location: 8q24.11.
Variant type: Deletion.
Identifiers: ClinVar variation 1072963 (VCV001072963.6).